The following is an entry in ClinVar:

NM_000252.3(MTM1):c.342_342+4del

Gene: MTM1 (myotubularin 1; plus strand). Cytogenetic location: Xq28.
Variant type: Deletion.
Coding change: c.342_342+4del on transcript NM_000252.3 (MANE Select); coding-DNA position 342 through 4 bases into the intron after coding-DNA position 342, 5 bases deleted (AGTAA; older notation c.342_342+4delAGTAA).
Molecular consequence: splice donor variant. On other transcripts: intron variant (1).
Genome position (GRCh38, 1-based): chrX:150,614,699-150,614,703, AGTAA deleted; deleting any 5 consecutive bases within chrX:150,614,695-150,614,703 gives the same sequence; the c. name uses the placement nearest the transcript's 3' end. VCF-style (leftmost placement, unchanged base first): chrX-150614694-TGTAAA-T. GRCh37 (hg19) VCF-style: chrX-149783167-TGTAAA-T.
Other names: c.342_342+4delAGTAA (NM_000252.2); c.342_342+4del (NM_001376908.1, NM_001376906.1); c.232-4339_232-4335del (NM_001376907.1).
Identifiers: ClinVar variation 211532 (VCV000211532.19), dbSNP rs797045717, ClinGen allele CA277422.
Genomic context (GRCh38, chrX:150,614,694, plus strand): 5'-ATTGAAAAAATGGGAGGCGCGACAAGTAGAGGAGAAAATTCCTATGGTCTAGATATTACT[TGTAAA>T]GTAAGAGATTCGATACTTTCTTATGCAAAGAACAAGGCACGTTAGTGTTGAATGATAGTA-3'

ClinVar aggregate classification (germline): Pathogenic. Review status: criteria provided, multiple submitters, no conflicts (2 of 4 stars). 7 submissions from 7 submitters: Pathogenic (6). 1 of the submissions does not count toward it. Last evaluated 2025-10-05.

Conditions:
Severe X-linked myotubular myopathy (CNMX). Also called: MYOTUBULAR MYOPATHY 1; X-linked centronuclear myopathy; Myotubular myopathy, X-linked. Identifiers: Orphanet 596, MedGen C0410203, MONDO:0010683, OMIM 310400.

Submissions (7):

Labcorp Genetics (formerly Invitae), Labcorp
Classification: Pathogenic for Severe X-linked myotubular myopathy. Last evaluated: 2025-10-05. Review status: criteria provided, single submitter. Criteria: Invitae Variant Classification Sherloc (09022015). Collection method: clinical testing. Allele origin: germline.
Comment: This variant results in the deletion of part of exon 5 (c.342_342+4del) of the MTM1 gene. It is expected to disrupt RNA splicing. Variants that disrupt the donor or acceptor splice site typically lead to a loss of protein function (PMID: 16199547), and loss-of-function variants in MTM1 are known to be pathogenic (PMID: 9305655, 10063835). This variant is not present in population databases (gnomAD no frequency). This variant has been observed in individuals with X-linked myotubular myopathy (PMID: 9285787, 29567349). This variant is also known as delta392-396GTAAA. ClinVar contains an entry for this variant (Variation ID: 211532). Algorithms developed to predict the effect of sequence changes on RNA splicing suggest that this variant may disrupt the consensus splice site. For these reasons, this variant has been classified as Pathogenic.

Baylor Genetics
Classification: Pathogenic for Severe X-linked myotubular myopathy. Last evaluated: 2021-12-28. Review status: criteria provided, single submitter. Criteria: ACMG Guidelines, 2015. Collection method: clinical testing. Allele origin: unknown.

Athena Diagnostics
Classification: Pathogenic. Last evaluated: 2019-05-08. Review status: criteria provided, single submitter. Criteria: Athena Diagnostics Criteria. Collection method: clinical testing. Allele origin: germline.
Comment: The variant results in a shift of the reading frame, and is therefore predicted to result in the loss of a functional protein. Found in at least one symptomatic patient, and not found in general population data.

GeneDx
Classification: Pathogenic. Last evaluated: 2015-12-17. Review status: criteria provided, single submitter. Criteria: GeneDx Variant Classification (06012015). Collection method: clinical testing. Allele origin: germline. Affected: yes.
Comment: This deletion spans the splice junction and destroys the canonical splice donor site in intron 5. It is predicted to cause abnormal gene splicing, either leading to an abnormal message that is subject to nonsense-mediated mRNA decay, or to an abnormal protein product if the message is used for protein translation. The c.342_342+4delAGTAA variant was not observed in approximately 6,500 individuals of European and African American ancestry in the NHLBI Exome Sequencing Project, indicating it is not a common benign variant in these populations. We interpret c.342_342+4delAGTAA as a pathogenic variant.

Genetic Services Laboratory, University of Chicago
Classification: Pathogenic for Myotubular myopathy, X-linked. Last evaluated: 2013-02-08. Review status: criteria provided, single submitter. Criteria: ACMG Guidelines, 2007. Collection method: clinical testing. Allele origin: germline. Affected: yes.

Rady Children's Institute for Genomic Medicine, Rady Children's Hospital San Diego
Classification: Pathogenic for MYOPATHY, CENTRONUCLEAR, X-LINKED. Review status: criteria provided, single submitter. Criteria: ACMG Guidelines, 2015. Collection method: clinical testing. Allele origin: germline. Affected: yes.
Comment: This variant affects the canonical splice donor site of intron 5 and is therefore predicted to interfere with splicing and result in loss of normal protein function through either protein truncation or nonsense-mediated mRNA decay (NMD). It is absent from the gnomAD population database and thus is presumed to be rare. Based on the available evidence, the c.342_342+4del variant is classified as Pathogenic.

Clinical Molecular Genetics Laboratory, Johns Hopkins All Children's Hospital
Classification: Pathogenic for Severe X-linked myotubular myopathy. Last evaluated: 2005-09-12. Review status: no assertion criteria provided. Collection method: clinical testing. Allele origin: germline. Affected: yes. Not counted in ClinVar's aggregate classification.

Literature cited by the submitters: PubMed 16199547 (cited by Labcorp Genetics (formerly Invitae), Labcorp); PubMed 9305655 (cited by Labcorp Genetics (formerly Invitae), Labcorp); PubMed 10063835 (cited by Labcorp Genetics (formerly Invitae), Labcorp); PubMed 9285787 (cited by Labcorp Genetics (formerly Invitae), Labcorp and Athena Diagnostics); PubMed 29567349 (cited by Labcorp Genetics (formerly Invitae), Labcorp and Athena Diagnostics); PubMed 10790201 (cited by Athena Diagnostics).